The following is an entry in ClinVar:

NM_001365088.1(SLC12A6):c.745+11C>T

Gene: SLC12A6 (solute carrier family 12 member 6; minus strand). Cytogenetic location: 15q14.
Variant type: single nucleotide variant.
Coding change: c.745+11C>T on transcript NM_001365088.1 (MANE Select); 11 bases into the intron after coding-DNA position 745, C replaced by T.
Molecular consequence: intron variant.
Genome position (GRCh38, 1-based): chr15:34,256,218, G>A on the plus strand (C>T on the coding strand, the complement: SLC12A6 is on the minus strand). VCF-style: chr15-34256218-G-A. GRCh37 (hg19) VCF-style: chr15-34548419-G-A.
Other names: c.568+11C>T (NM_001042495.2, NM_001042494.2); c.718+11C>T (NM_001042496.2); c.700+11C>T (NM_001042497.2); c.745+11C>T (NM_133647.2); c.592+11C>T (NM_005135.2).
Identifiers: ClinVar variation 514625 (VCV000514625.1), dbSNP rs1286207076, ClinGen allele CA617179318.

ClinVar aggregate classification (germline): Likely benign (1 of 4 stars; one submission).

Allele frequency attached by ClinVar (database versions not stated): gnomAD exomes below 0.00001 and 0.00001; gnomAD 0.00001; TOPMed 0.00001.
gnomAD v4.1: 6 of 1,555,732 alleles (0.00039%); highest among the groups gnomAD compares: Non-Finnish European, 0.00053%; no homozygotes.

Submission:

GeneDx
Classification: Likely benign. Last evaluated: 2018-01-22. Review status: criteria provided, single submitter. Criteria: GeneDx Variant Classification (06012015). Collection method: clinical testing. Allele origin: germline. Affected: yes.
Comment: This variant is considered likely benign or benign based on one or more of the following criteria: it is a conservative change, it occurs at a poorly conserved position in the protein, it is predicted to be benign by multiple in silico algorithms, and/or has population frequency not consistent with disease.